The following is an entry in ClinVar:

NM_000179.3(MSH6):c.1780G>T (p.Val594Phe)

Gene: MSH6 (mutS homolog 6; plus strand). Cytogenetic location: 2p16.3.
Variant type: single nucleotide variant.
Coding change: c.1780G>T on transcript NM_000179.3 (MANE Select); coding-DNA position 1780, G replaced by T.
Protein change: p.Val594Phe; replaces valine 594 with phenylalanine.
Molecular consequence: missense variant.
Genome position (GRCh38, 1-based): chr2:47,799,763, G>T. VCF-style: chr2-47799763-G-T. GRCh37 (hg19) VCF-style: chr2-48026902-G-T.
Other names: c.1390G>T, p.Val464Phe (NM_001281492.2); c.874G>T, p.Val292Phe (NM_001281493.2, NM_001281494.2, NM_001406811.1 and 6 more transcripts); c.1876G>T, p.Val626Phe (NM_001406795.1, NM_001406802.1); c.1780G>T, p.Val594Phe (NM_001406796.1, NM_001406798.1, NM_001406800.1 and 3 more transcripts); c.1483G>T, p.Val495Phe (NM_001406797.1, NM_001406801.1, NM_001406805.1 and 10 more transcripts); c.1255G>T, p.Val419Phe (NM_001406799.1, NM_001406806.1, NM_001406807.1); c.1702G>T, p.Val568Phe (NM_001406804.1); c.1786G>T, p.Val596Phe (NM_001406813.1); and 1 more; short protein forms V596F, V495F, V538F, V568F, V292F, V419F, V464F, V594F.
Identifiers: ClinVar variation 1779992 (VCV001779992.2), dbSNP rs757029447, ClinGen allele CA346749239.
Genomic context (GRCh38, chr2:47,799,763, plus strand): 5'-TCAGATGATCGCCATTGTTCGAGATTTAGGACTCTAGTGGCACACTATCCCCCAGTACAA[G>T]TTTTATTTGAAAAAGGAAATCTCTCAAAGGAAACTAAAACAATTCTAAAGAGTTCATTGT-3'
Protein context (NP_000170.1, residues 584-604): TLVAHYPPVQ[Val594Phe]LFEKGNLSKE

ClinVar aggregate classification (germline): Uncertain significance (1 of 4 stars; one submission).

Conditions:
Hereditary cancer-predisposing syndrome. Also called: Neoplastic Syndromes, Hereditary; Tumor predisposition; Hereditary Cancer Syndrome; Hereditary neoplastic syndrome. Identifiers: Orphanet 140162, MedGen C0027672, MeSH D009386, MONDO:0015356.

Submission:

Ambry Genetics
Classification: Uncertain significance for Hereditary cancer-predisposing syndrome. Last evaluated: 2022-02-24. Review status: criteria provided, single submitter. Criteria: Ambry Variant Classification Scheme 2023. Collection method: clinical testing. Allele origin: germline.
Comment: The p.V594F variant (also known as c.1780G>T), located in coding exon 4 of the MSH6 gene, results from a G to T substitution at nucleotide position 1780. The valine at codon 594 is replaced by phenylalanine, an amino acid with highly similar properties. This amino acid position is conserved. In addition, this alteration is predicted to be deleterious by in silico analysis. Since supporting evidence is limited at this time, the clinical significance of this alteration remains unclear.